The following is an entry in ClinVar:

ClinVar aggregate classification (germline): Conflicting classifications of pathogenicity. Review status: criteria provided, conflicting classifications (1 of 4 stars). 3 submissions from 3 submitters: Uncertain significance (1); Benign (1); Likely benign (1). Last evaluated 2025-09-22.

Conditions:
Familial hypercholesterolemia. Also called: Familial hypercholesterolemias; Familial hypercholesterolaemia. Identifiers: MedGen C0020445, MONDO:0005439.
Cardiovascular phenotype. Identifiers: MedGen CN230736.
Familial hypobetalipoproteinemia 1. Also called: Hypobetalipoproteinemia, normotriglyceridemic; Acanthocytosis with hypobetalipoproteinemia; APOB-Related Familial Hypobetalipoproteinemia. Identifiers: MedGen C4551990, MONDO:0014252, OMIM 615558.
Hypercholesterolemia, autosomal dominant, type B (FHCL2). Also called: Familial Hypercholesterolemia Type B; HYPERCHOLESTEROLEMIA, FAMILIAL, DUE TO LIGAND-DEFECTIVE APOLIPOPROTEIN B; Familial hypercholesterolemia 2; APOB-Related Familial Hypercholesterolemia, Autosomal Dominant; APOLIPOPROTEIN B-100, FAMILIAL DEFECTIVE; APOLIPOPROTEIN B-100, FAMILIAL LIGAND-DEFECTIVE. Identifiers: MedGen C1704417, MONDO:0007751, OMIM 144010.

Allele frequency attached by ClinVar (database versions not stated): gnomAD 0.00001 and 0.00003; gnomAD exomes 0.00001 and 0.00006; ExAC 0.00003; TOPMed 0.00003; 1000 Genomes Project 30x 0.00078; 1000 Genomes Project 0.00080.
gnomAD v4.1: 17 of 1,613,626 alleles (0.0011%); highest among the groups gnomAD compares: East Asian, 0.038%; no homozygotes.

Submissions (3):

Labcorp Genetics (formerly Invitae), Labcorp
Classification: Benign for Familial hypobetalipoproteinemia 1; Hypercholesterolemia, autosomal dominant, type B. Last evaluated: 2025-09-22. Review status: criteria provided, single submitter. Criteria: Invitae Variant Classification Sherloc (09022015). Collection method: clinical testing. Allele origin: germline.

Cambridge Genomics Laboratory, East Genomic Laboratory Hub, NHS Genomic Medicine Service
Classification: Uncertain significance for Familial hypercholesterolaemia. Last evaluated: 2025-05-27. Review status: criteria provided, single submitter. Criteria: ACGS Best Practice Guidelines for Variant Classification in Rare Disease 2020. Collection method: clinical testing. Allele origin: germline. Affected: yes.
Comment: PM2,BP4

Ambry Genetics
Classification: Likely benign for Cardiovascular phenotype. Last evaluated: 2024-12-03. Review status: criteria provided, single submitter. Criteria: Ambry Variant Classification Scheme 2023. Collection method: clinical testing. Allele origin: germline.

NM_000384.3(APOB):c.6904G>A (p.Gly2302Arg)

Gene: APOB (apolipoprotein B; minus strand). Cytogenetic location: 2p24.1.
Variant type: single nucleotide variant.
Coding change: c.6904G>A on transcript NM_000384.3 (MANE Select); coding-DNA position 6904, G replaced by A.
Protein change: p.Gly2302Arg; replaces glycine 2302 with arginine.
Molecular consequence: missense variant.
Genome position (GRCh38, 1-based): chr2:21,009,964, C>T on the plus strand (G>A on the coding strand, the complement: APOB is on the minus strand). VCF-style: chr2-21009964-C-T. GRCh37 (hg19) VCF-style: chr2-21232836-C-T.
Other names: short protein forms G2302R.
Identifiers: ClinVar variation 918462 (VCV000918462.10), dbSNP rs147447233, ClinGen allele CA063728.